The following is an entry in ClinVar:

NM_022835.3(PLEKHG2):c.3964dup (p.Gln1322fs)

Gene: PLEKHG2 (pleckstrin homology and RhoGEF domain containing G2; plus strand). Cytogenetic location: 19q13.2.
Variant type: Duplication.
Coding change: c.3964dup on transcript NM_022835.3 (MANE Select); coding-DNA position 3964, one base duplicated (C; older notation c.3964dupC).
Protein change: p.Gln1322fs; shifts the reading frame from glutamine 1322.
Molecular consequence: frameshift variant. On other transcripts: intron variant (2).
Genome position (GRCh38, 1-based): chr19:39,425,097, C duplicated; the last of 7 consecutive C bases (chr19:39,425,091-39,425,097); duplicating any one gives the same sequence. VCF-style (leftmost placement, unchanged base first): chr19-39425090-G-GC. GRCh37 (hg19) VCF-style: chr19-39915730-G-GC.
Other names: c.3964dupC (NM_022835.3); c.3573-141dup (NM_001351693.2); c.1678-141dup (NM_001351694.2); short protein forms Q1322fs.
Identifiers: ClinVar variation 1393342 (VCV001393342.10), dbSNP rs551236586, ClinGen allele CA9430097.
Genomic context (GRCh38, chr19:39,425,090, plus strand): 5'-GGCCCCCGCAGCCTCCCGGGGCTCCTGGTCCTCTGCTCCCACGTCACGGGCATCTTCGCC[G>GC]CCCCCCCAGCCCCAGCCACCACCTCCCCCAGCCAGGCGGCTCAGCTATGCCACGACGGTT-3'

ClinVar aggregate classification (germline): Uncertain significance. Review status: criteria provided, multiple submitters, no conflicts (2 of 4 stars). 3 submissions from 3 submitters: Uncertain significance (3). Last evaluated 2026-05-28.

Submissions (3):

Women's Health and Genetics/Laboratory Corporation of America, LabCorp
Classification: Uncertain significance. Last evaluated: 2026-05-28. Review status: criteria provided, single submitter. Criteria: LabCorp Variant Classification Summary - May 2015. Collection method: clinical testing. Allele origin: germline.
Comment: Variant summary: PLEKHG2 c.3964dupC (p.Gln1322ProfsX19) results in a premature termination codon, predicted to cause a truncation of the encoded protein or absence of the protein due to nonsense mediated decay, which are commonly known mechanisms for disease. The frequency data for this variant in gnomAD is considered unreliable, as metrics indicate poor data quality at this position. To our knowledge, no occurrence of c.3964dupC in individuals affected with PLEKHG2-related conditions and no experimental evidence demonstrating its impact on protein function have been reported. ClinVar contains an entry for this variant (Variation ID: 1393342). Based on the evidence outlined above, the variant was classified as uncertain significance.

Labcorp Genetics (formerly Invitae), Labcorp
Classification: Uncertain significance. Last evaluated: 2021-12-02. Review status: criteria provided, single submitter. Criteria: Invitae Variant Classification Sherloc (09022015). Collection method: clinical testing. Allele origin: germline.
Comment: This sequence change creates a premature translational stop signal (p.Gln1322Profs*19) in the PLEKHG2 gene. While this is not anticipated to result in nonsense mediated decay, it is expected to disrupt the last 65 amino acid(s) of the PLEKHG2 protein. The frequency data for this variant in the population databases is considered unreliable, as metrics indicate poor data quality at this position in the gnomAD database. This variant has not been reported in the literature in individuals affected with PLEKHG2-related conditions. Experimental studies and prediction algorithms are not available or were not evaluated, and the functional significance of this variant is currently unknown. In summary, the available evidence is currently insufficient to determine the role of this variant in disease. Therefore, it has been classified as a Variant of Uncertain Significance.

Breakthrough Genomics
Classification: Uncertain significance. Review status: criteria provided, single submitter. Criteria: ACMG Guidelines, 2015. Collection method: not provided. Allele origin: germline. Inheritance: Autosomal dominant inheritance. Affected: yes.